The following is an entry in ClinVar:

NM_000202.8(IDS):c.1212_1215dup (p.Leu406fs)

Gene: IDS (iduronate 2-sulfatase; minus strand). Cytogenetic location: Xq28.
Variant type: Duplication.
Coding change: c.1212_1215dup on transcript NM_000202.8 (MANE Select); coding-DNA positions 1212 to 1215, 4 bases duplicated (GTCT; older notation c.1212_1215dupGTCT).
Protein change: p.Leu406fs; shifts the reading frame from leucine 406.
Molecular consequence: frameshift variant.
Genome position (GRCh38, 1-based): chrX:149,483,184-149,483,187, AGAC duplicated on the plus strand (GTCT on the coding strand, the reverse complement: IDS is on the minus strand); duplicating any 4 consecutive bases within chrX:149,483,184-149,483,188 gives the same sequence; the c. name uses the placement nearest the transcript's 3' end. VCF-style (leftmost placement, unchanged base first): chrX-149483183-G-GAGAC. GRCh37 (hg19) VCF-style: chrX-148564714-G-GAGAC.
Other names: c.942_945dup, p.Leu316fs (NM_001166550.4); short protein forms L316fs, L406fs.
Identifiers: ClinVar variation 3255991 (VCV003255991.2).
Genomic context (GRCh38, chrX:149,483,183, plus strand): 5'-AAGGAACGGGGCAGCGAGGTGGAACCTGCAGTCCTGCAAGTCCAGCCAGCGTGGGAAAAA[G>GAGAC]AGACACAAGTTCCACAAGGTCCATGGATTGCCTGCCTGAAACAGGAAGCGACAGAGCAGA-3'

ClinVar aggregate classification (germline): Likely pathogenic (1 of 4 stars; one submission).

Conditions:
Mucopolysaccharidosis, MPS-II (MPS2). Also called: Hunter Syndrome; IDURONATE 2-SULFATASE DEFICIENCY; Mucopolysaccharidosis Type II; Mucopolysaccharidosis type 2; Attenuated MPS (subtype; formerly known as mild MPS II); Severe MPS II. Identifiers: Orphanet 580, Orphanet 79388, MedGen C0026705, MONDO:0010674, OMIM 309900.

Submission:

Laboratory of Diagnosis and Therapy of Lysosomal Disorders, University of Padova
Classification: Likely pathogenic for Mucopolysaccharidosis, MPS-II. Last evaluated: 2024-06-07. Review status: criteria provided, single submitter. Criteria: ACMG Guidelines, 2015. Collection method: literature only. Allele origin: germline. Affected: yes. Observed: 1 variant allele.
Comment: Null variant (PVS1_Strong), Absent from controls (or at low frequency) in gnomAD database (PM2_Moderate), Patient’s phenotype or family history highly specific for the disease (PP4_Moderate)

Classification method: ACMG Guidelines [PMID:25741868] with modifications

Literature cited by the submitters: PubMed 27883178.